The following is an entry in ClinVar:

ClinVar aggregate classification (germline): Uncertain significance (1 of 4 stars; one submission).

Submission:

GeneDx
Classification: Uncertain significance. Last evaluated: 2023-04-07. Review status: criteria provided, single submitter. Criteria: GeneDx Variant Classification Process June 2021. Collection method: clinical testing. Allele origin: germline. Affected: yes.
Comment: Not observed at significant frequency in large population cohorts (gnomAD); Canonical splice site variant with an unclear effect on protein function; Has not been previously published as pathogenic or benign to our knowledge; Variants in candidate genes are classified as variants of uncertain significance in accordance with ACMG guidelines (Richards et al., 2015)

NM_015030.2(FRYL):c.3441+1G>A

Gene: FRYL (FRY like transcription coactivator; minus strand). Cytogenetic location: 4p11.
Variant type: single nucleotide variant.
Coding change: c.3441+1G>A on transcript NM_015030.2 (MANE Select); the canonical splice donor site of the intron after coding-DNA position 3441, G replaced by A.
Molecular consequence: splice donor variant.
Genome position (GRCh38, 1-based): chr4:48,564,932, C>T on the plus strand (G>A on the coding strand, the complement: FRYL is on the minus strand). VCF-style: chr4-48564932-C-T. GRCh37 (hg19) VCF-style: chr4-48566949-C-T.
Identifiers: ClinVar variation 3342964 (VCV003342964.1).
Genomic context (GRCh38, chr4:48,564,932, plus strand): 5'-TTAACTGCAAATAATACAATGACAACTTATTATGAACCTTTAAGGAAATTGTCATAATTA[C>T]CTTTTTGTCCAGAGAATCCAAAATGTTATCCAACCATTTGTACAAATAGCCATCTGATGA-3'